The following is an entry in ClinVar:

NM_001134407.3(GRIN2A):c.1007+1G>A

Gene: GRIN2A (glutamate ionotropic receptor NMDA type subunit 2A; minus strand). Cytogenetic location: 16p13.2.
Variant type: single nucleotide variant.
Coding change: c.1007+1G>A on transcript NM_001134407.3 (MANE Select); the canonical splice donor site of the intron after coding-DNA position 1007, G replaced by A.
Molecular consequence: splice donor variant.
Genome position (GRCh38, 1-based): chr16:9,937,958, C>T on the plus strand (G>A on the coding strand, the complement: GRIN2A is on the minus strand). VCF-style: chr16-9937958-C-T. GRCh37 (hg19) VCF-style: chr16-10031815-C-T.
Other names: IVS4DS, G-A, +1; c.1007+1G>A (NM_001134407.2, NM_001134408.2, NM_000833.5).
Identifiers: ClinVar variation 88727 (VCV000088727.65), dbSNP rs397518465, ClinGen allele CA145311.

ClinVar aggregate classification (germline): Pathogenic/Likely pathogenic. Review status: criteria provided, multiple submitters, no conflicts (2 of 4 stars). 13 submissions from 13 submitters: Pathogenic (8); Likely pathogenic (1). 4 of the submissions do not count toward it. Last evaluated 2026-08-01.

Conditions:
Self-limited epilepsy with centrotemporal spikes. Also called: Rolandic epilepsy; Childhood epilepsy with centrotemporal spikes. Identifiers: Orphanet 1945, MedGen C0376532, MONDO:0007295.
GRIN2A-Related Disorders. Identifiers: MedGen CN381066.
Landau-Kleffner syndrome (FESD). Also called: EPILEPSY, FOCAL, WITH SPEECH DISORDER AND WITH OR WITHOUT MENTAL RETARDATION; APHASIA, ACQUIRED, WITH EPILEPSY. Identifiers: Orphanet 1945, Orphanet 725, Orphanet 98818, MedGen C0282512, MONDO:0009509, OMIM 245570.
Seizure. Also called: Seizures. Identifiers: MedGen C0036572, HP:0001250.
Abnormal cerebral morphology. Also called: Abnormality of the cerebrum. Identifiers: MedGen C4021762, HP:0002060.

Allele frequency attached by ClinVar (database versions not stated): gnomAD exomes below 0.00001.
gnomAD v4.1: 2 of 1,608,784 alleles (0.00012%); highest among the groups gnomAD compares: African/African-American, 0.0013%; no homozygotes.

Submissions (13):

CeGaT Center for Human Genetics Tuebingen
Classification: Pathogenic. Last evaluated: 2026-08-01. Review status: criteria provided, single submitter. Criteria: CeGaT Center For Human Genetics Tuebingen Variant Classification Criteria Version 2. Collection method: clinical testing. Allele origin: germline. Affected: yes. Observed: 2 variant alleles.
Comment: GRIN2A: PVS1, PP1:Strong, PM2, PS4:Moderate, PS1:Supporting

Labcorp Genetics (formerly Invitae), Labcorp
Classification: Pathogenic for Landau-Kleffner syndrome. Last evaluated: 2025-06-22. Review status: criteria provided, single submitter. Criteria: Invitae Variant Classification Sherloc (09022015). Collection method: clinical testing. Allele origin: germline.
Comment: This sequence change affects a donor splice site in intron 4 of the GRIN2A gene. It is expected to disrupt RNA splicing. Variants that disrupt the donor or acceptor splice site typically lead to a loss of protein function (PMID: 16199547), and loss-of-function variants in GRIN2A are known to be pathogenic (PMID: 23933819, 23933820). This variant is not present in population databases (gnomAD no frequency). Disruption of this splice site has been observed in individuals with Landau-Kleffner syndrome, atypical benign partial epilepsy, benign epilepsy with centrotemporal spikes, and focal epilepsy (PMID: 23933818, 23933819, 28102150). It has also been observed to segregate with disease in related individuals. ClinVar contains an entry for this variant (Variation ID: 88727). Algorithms developed to predict the effect of sequence changes on RNA splicing suggest that this variant may disrupt the consensus splice site. For these reasons, this variant has been classified as Pathogenic.

GeneDx
Classification: Pathogenic. Last evaluated: 2024-11-22. Review status: criteria provided, single submitter. Criteria: GeneDx Variant Classification Process June 2021. Collection method: clinical testing. Allele origin: germline. Affected: yes.
Comment: Canonical splice site variant predicted to result in a null allele in a gene for which loss of function is a known mechanism of disease; Not observed at significant frequency in large population cohorts (gnomAD); This variant is associated with the following publications: (PMID: 28102150, 23933818, 7574460, 28832001, 29358611, 25921602, 31873310, 29124671, 30544257, 27683935, 16199547, 31440721, 23933820, 23933819, 37393044, 38715655, 38388889)

Cytogénomique, Hospices Civils de Lyon
Classification: Pathogenic for Seizure. Last evaluated: 2024-11-18. Review status: criteria provided, single submitter. Criteria: ACMG Guidelines, 2015. Collection method: clinical testing. Allele origin: maternal. Affected: yes.

Blueprint Genetics
Classification: Pathogenic for GRIN2A-related disorders. Last evaluated: 2024-04-30. Review status: criteria provided, single submitter. Criteria: ACMG Guidelines, 2015. Collection method: clinical testing. Allele origin: germline. Affected: yes. Observed: 1 variant allele.

Victorian Clinical Genetics Services, Murdoch Childrens Research Institute
Classification: Pathogenic for Landau-Kleffner syndrome. Last evaluated: 2021-05-06. Review status: criteria provided, single submitter. Criteria: ACMG Guidelines, 2015. Collection method: clinical testing. Allele origin: germline. Inheritance: Autosomal dominant inheritance.
Comment: Based on the classification scheme VCGS_Germline_v1.3.4, this variant is classified as Pathogenic. Following criteria are met: 0103 - Loss of function, dominant negative and gain of function are known mechanisms of disease in this gene and are associated with focal epilepsy with speech disorder and with or without mental retardation (MIM#245570). Haploinsufficiency of GRIN2A is known to result in disease, and some variants have also been shown to act antagonistically to the wild type allele when two homologous subunits are incorporated into the same protein complex. Furthermore, the overall effect of these variants on complex activity results in a gain of function of the NMDA receptor (OMIM). (I) 0107 - This gene is associated with autosomal dominant disease. (I) 0112 - The condition associated with this gene has incomplete penetrance. Some carriers of familial variants are unaffected (OMIM). (I) 0115 - Variants in this gene are known to have variable expressivity. Disease presentation and severity is known to vary, even amongst family members carrying the same variant (OMIM). (I) 0211 - Canonical splice site variant without proven consequence on splicing (no functional evidence available). (SP) 0251 - This variant is heterozygous. (I) 0301 - Variant is absent from gnomAD (both v2 and v3). (SP) 0505 - Abnormal splicing is predicted by in silico tools and affected nucleotide is highly conserved. (SP) 0704 - Another canonical splice site variant comparable to the one identified in this case has limited previous evidence for pathogenicity. An alternate change to thymine at the same nucleotide has previously been reported in individuals with epilepsy (ClinVar, PMID: 23933819). (SP) 0801 - This variant has strong previous evidence of pathogenicity in unrelated individuals. The variant has previously been reported in more the five unrelated individuals with variable phenotypes on the epilepsy-aphasia spectrum (ClinVar, PMID: 23933819, PMID: 29124671). (SP) 0901 - This variant has strong evidence for segregation with disease. The variant has previously been shown to segregate with disease in at least two families (PMID: 23933819). (I) Legend: (SP) - Supporting pathogenic, (I) - Information, (SB) - Supporting benign

Institute of Human Genetics, University of Leipzig Medical Center
Classification: Likely pathogenic for Landau-Kleffner syndrome. Last evaluated: 2019-01-01. Review status: criteria provided, single submitter. Criteria: ACMG Guidelines, 2015. Collection method: research. Allele origin: unknown. Affected: yes.

Eurofins Ntd Llc (ga)
Classification: Pathogenic. Last evaluated: 2016-06-03. Review status: criteria provided, single submitter. Criteria: EGL Classification Definitions 2015. Collection method: clinical testing. Allele origin: germline. Observed: 1 variant allele, 1 heterozygote.

Juno Genomics, Hangzhou Juno Genomics, Inc
Classification: Pathogenic for Landau-Kleffner syndrome. Review status: criteria provided, single submitter. Criteria: ACMG Guidelines, 2015. Collection method: clinical testing. Allele origin: germline. Affected: yes.
Comment: Absent from controls (or at extremely low frequency if recessive) in Genome Aggregation Database, Exome Sequencing Project, 1000 Genomes Project, or Exome Aggregation Consortium.;Null variant in a gene where loss of function (LOF) is a known mechanism of disease.;The prevalence of the variant in affected individuals is significantly increased compared to the prevalence in controls.;De novo (both maternity and paternity confirmed) in a patient with the disease and no family history.

Bioinformatics Core, Luxembourg Center for Systems Biomedicine
Classification: Pathogenic for Self-limited epilepsy with centrotemporal spikes. Last evaluated: 2017-01-01. Review status: no assertion criteria provided. Collection method: case-control. Allele origin: germline. Affected: yes. Study: EUROEPINOMICS COGIE. Not counted in ClinVar's aggregate classification.

OMIM
Classification: Pathogenic for EPILEPSY, FOCAL, WITH SPEECH DISORDER AND WITH OR WITHOUT MENTAL RETARDATION. Last evaluated: 2013-09-01. Review status: no assertion criteria provided. Collection method: literature only. Allele origin: germline. Not counted in ClinVar's aggregate classification.

Diagnostic Laboratory, Strasbourg University Hospital
Classification: Likely pathogenic for Abnormal cerebral morphology. Review status: no assertion criteria provided. Collection method: clinical testing. Allele origin: de novo. Affected: yes. Observed: 1 heterozygote. Not counted in ClinVar's aggregate classification.

GeneReviews
No classification provided. Condition: Landau-Kleffner syndrome. Review status: no classification provided. Collection method: literature only. Allele origin: germline. Affected: yes. Not counted in ClinVar's aggregate classification.

Literature cited by the submitters: PubMed 16199547 (cited by Labcorp Genetics (formerly Invitae), Labcorp); PubMed 23933819 (cited by 5 submitters); PubMed 23933820 (cited by Labcorp Genetics (formerly Invitae), Labcorp); PubMed 23933818 (cited by 4 submitters); PubMed 28102150 (cited by Labcorp Genetics (formerly Invitae), Labcorp); PubMed 29124671 (cited by Victorian Clinical Genetics Services, Murdoch Childrens Research Institute); PubMed 30544257 (cited by Institute of Human Genetics, University of Leipzig Medical Center); PubMed 29358611 (cited by Bioinformatics Core, Luxembourg Center for Systems Biomedicine); PubMed 7574460 (cited by OMIM); NCBI Bookshelf NBK385627 (cited by GeneReviews).